The following is an entry in ClinVar:

ClinVar aggregate classification (germline): Uncertain significance (1 of 4 stars; one submission).

Conditions:
Vici syndrome (VICIS). Identifiers: Orphanet 1493, MedGen C1855772, MONDO:0009452, OMIM 242840.

Submission:

Labcorp Genetics (formerly Invitae), Labcorp
Classification: Uncertain significance for Vici syndrome. Last evaluated: 2021-08-09. Review status: criteria provided, single submitter. Criteria: Invitae Variant Classification Sherloc (09022015). Collection method: clinical testing. Allele origin: germline.
Comment: This sequence change replaces phenylalanine with cysteine at codon 55 of the EPG5 protein (p.Phe55Cys). The phenylalanine residue is weakly conserved and there is a large physicochemical difference between phenylalanine and cysteine. This variant is not present in population databases (ExAC no frequency). This variant has not been reported in the literature in individuals affected with EPG5-related conditions. Algorithms developed to predict the effect of missense changes on protein structure and function are either unavailable or do not agree on the potential impact of this missense change (SIFT: "Deleterious"; PolyPhen-2: "Benign"; Align-GVGD: "Class C0"). In summary, the available evidence is currently insufficient to determine the role of this variant in disease. Therefore, it has been classified as a Variant of Uncertain Significance.

NM_020964.3(EPG5):c.164T>G (p.Phe55Cys)

Gene: EPG5 (ectopic P-granules 5 autophagy tethering factor; minus strand). Cytogenetic location: 18q21.1.
Variant type: single nucleotide variant.
Coding change: c.164T>G on transcript NM_020964.3 (MANE Select); coding-DNA position 164, T replaced by G.
Protein change: p.Phe55Cys; replaces phenylalanine 55 with cysteine.
Molecular consequence: missense variant.
Genome position (GRCh38, 1-based): chr18:45,955,238, A>C on the plus strand (T>G on the coding strand, the complement: EPG5 is on the minus strand). VCF-style: chr18-45955238-A-C. GRCh37 (hg19) VCF-style: chr18-43535204-A-C.
Other names: short protein forms F55C.
Identifiers: ClinVar variation 1466412 (VCV001466412.7), dbSNP rs2143794640, ClinGen allele CA402352329.